The following is an entry in ClinVar:

ClinVar aggregate classification (germline): Uncertain significance (1 of 4 stars; one submission).

Submission:

GeneDx
Classification: Uncertain significance. Last evaluated: 2024-08-21. Review status: criteria provided, single submitter. Criteria: GeneDx Variant Classification Process June 2021. Collection method: clinical testing. Allele origin: germline. Affected: yes.
Comment: Not observed at significant frequency in large population cohorts (gnomAD); In silico analysis indicates that this missense variant does not alter protein structure/function; Has not been previously published as pathogenic or benign to our knowledge

NM_001126108.2(SLC12A3):c.2071C>T (p.Leu691Phe)

Gene: SLC12A3 (solute carrier family 12 member 3; plus strand). Cytogenetic location: 16q13.
Variant type: single nucleotide variant.
Coding change: c.2071C>T on transcript NM_001126108.2 (MANE Select); coding-DNA position 2071, C replaced by T.
Protein change: p.Leu691Phe; replaces leucine 691 with phenylalanine.
Molecular consequence: missense variant.
Genome position (GRCh38, 1-based): chr16:56,886,986, C>T. VCF-style: chr16-56886986-C-T. GRCh37 (hg19) VCF-style: chr16-56920898-C-T.
Other names: c.2071C>T, p.Leu691Phe (NM_000339.3); c.2068C>T, p.Leu690Phe (NM_001126107.2, NM_001410896.1); short protein forms L690F, L691F.
Identifiers: ClinVar variation 3764412 (VCV003764412.1).